The following is an entry in ClinVar:

ClinVar aggregate classification (germline): Uncertain significance. Review status: criteria provided, multiple submitters, no conflicts (2 of 4 stars). 2 submissions from 2 submitters: Uncertain significance (2). Last evaluated 2024-07-15.

Conditions:
Hereditary cancer-predisposing syndrome. Also called: Hereditary Cancer Syndrome; Neoplastic Syndromes, Hereditary; Hereditary neoplastic syndrome; Tumor predisposition. Identifiers: Orphanet 140162, MedGen C0027672, MeSH D009386, MONDO:0015356.
Ataxia-telangiectasia syndrome (AT). Also called: Cerebello-oculocutaneous telangiectasia; Immunodeficiency with ataxia telangiectasia; Ataxia-telangiectasia, complementation group E; Ataxia-telangiectasia, complementation group D; AT, COMPLEMENTATION GROUP C; ATAXIA-TELANGIECTASIA, COMPLEMENTATION GROUP A. Identifiers: Orphanet 100, MedGen C0004135, MONDO:0008840, OMIM 208900.

Allele frequency attached by ClinVar (database versions not stated): gnomAD exomes below 0.00001.
gnomAD v4.1: 1 of 1,613,714 alleles (0.000062%); highest among the groups gnomAD compares: Non-Finnish European, 0.000085%; no homozygotes.

Submissions (2):

Labcorp Genetics (formerly Invitae), Labcorp
Classification: Uncertain significance for Ataxia-telangiectasia syndrome. Last evaluated: 2024-07-15. Review status: criteria provided, single submitter. Criteria: Invitae Variant Classification Sherloc (09022015). Collection method: clinical testing. Allele origin: germline.
Comment: This sequence change replaces glycine, which is neutral and non-polar, with aspartic acid, which is acidic and polar, at codon 801 of the ATM protein (p.Gly801Asp). This variant is not present in population databases (gnomAD no frequency). This variant has not been reported in the literature in individuals affected with ATM-related conditions. ClinVar contains an entry for this variant (Variation ID: 821224). An algorithm developed to predict the effect of missense changes on protein structure and function (PolyPhen-2) suggests that this variant is likely to be tolerated. In summary, the available evidence is currently insufficient to determine the role of this variant in disease. Therefore, it has been classified as a Variant of Uncertain Significance.

Ambry Genetics
Classification: Uncertain significance for Hereditary cancer-predisposing syndrome. Last evaluated: 2024-05-02. Review status: criteria provided, single submitter. Criteria: Ambry Variant Classification Scheme 2023. Collection method: clinical testing. Allele origin: germline.
Comment: The p.G801D variant (also known as c.2402G>A), located in coding exon 15 of the ATM gene, results from a G to A substitution at nucleotide position 2402. The glycine at codon 801 is replaced by aspartic acid, an amino acid with similar properties. This amino acid position is not well conserved in available vertebrate species. In addition, this alteration is predicted to be tolerated by in silico analysis. Since supporting evidence is limited at this time, the clinical significance of this alteration remains unclear.

NM_000051.4(ATM):c.2402G>A (p.Gly801Asp)

Gene: ATM (ATM serine/threonine kinase; plus strand). Cytogenetic location: 11q22.3.
Variant type: single nucleotide variant.
Coding change: c.2402G>A on transcript NM_000051.4 (MANE Select); coding-DNA position 2402, G replaced by A.
Protein change: p.Gly801Asp; replaces glycine 801 with aspartic acid.
Molecular consequence: missense variant.
Genome position (GRCh38, 1-based): chr11:108,259,011, G>A. VCF-style: chr11-108259011-G-A. GRCh37 (hg19) VCF-style: chr11-108129738-G-A.
Other names: c.2402G>A, p.Gly801Asp (NM_001351834.2); short protein forms G801D.
Identifiers: ClinVar variation 821224 (VCV000821224.14), dbSNP rs1591551289, ClinGen allele CA382541143.